The following is an entry in ClinVar:

ClinVar aggregate classification (germline): Uncertain significance (1 of 4 stars; one submission).

Allele frequency attached by ClinVar (database versions not stated): ExAC 0.00005; gnomAD exomes 0.00008 and 0.00020; ESP Exome Variant Server 0.00015; TOPMed 0.00015; gnomAD 0.00016 and 0.00017.
gnomAD v4.1: 326 of 1,614,102 alleles (0.02%); highest among the groups gnomAD compares: Non-Finnish European, 0.025%; no homozygotes.

Submission:

Labcorp Genetics (formerly Invitae), Labcorp
Classification: Uncertain significance. Last evaluated: 2022-05-08. Review status: criteria provided, single submitter. Criteria: Invitae Variant Classification Sherloc (09022015). Collection method: clinical testing. Allele origin: germline.
Comment: This sequence change replaces leucine, which is neutral and non-polar, with arginine, which is basic and polar, at codon 277 of the QRSL1 protein (p.Leu277Arg). This variant is present in population databases (rs144453885, gnomAD 0.02%). This variant has not been reported in the literature in individuals affected with QRSL1-related conditions. Algorithms developed to predict the effect of missense changes on protein structure and function are either unavailable or do not agree on the potential impact of this missense change (SIFT: "Deleterious"; PolyPhen-2: "Probably Damaging"; Align-GVGD: "Class C0"). In summary, the available evidence is currently insufficient to determine the role of this variant in disease. Therefore, it has been classified as a Variant of Uncertain Significance.

NM_018292.5(QRSL1):c.830T>G (p.Leu277Arg)

Gene: QRSL1 (glutaminyl-tRNA amidotransferase subunit QRSL1; plus strand). Cytogenetic location: 6q21.
Variant type: single nucleotide variant.
Coding change: c.830T>G on transcript NM_018292.5 (MANE Select); coding-DNA position 830, T replaced by G.
Protein change: p.Leu277Arg; replaces leucine 277 with arginine.
Molecular consequence: missense variant.
Genome position (GRCh38, 1-based): chr6:106,652,563, T>G. VCF-style: chr6-106652563-T-G. GRCh37 (hg19) VCF-style: chr6-107100438-T-G.
Other names: short protein forms L277R.
Identifiers: ClinVar variation 1379444 (VCV001379444.3), dbSNP rs144453885, ClinGen allele CA3944866.